The following is an entry in ClinVar:

NM_001126108.2(SLC12A3):c.*516T>A

Gene: SLC12A3 (solute carrier family 12 member 3; plus strand). Cytogenetic location: 16q13.
Variant type: single nucleotide variant.
Coding change: c.*516T>A on transcript NM_001126108.2 (MANE Select); 516 bases downstream of the stop codon, T replaced by A.
Molecular consequence: 3 prime UTR variant.
Genome position (GRCh38, 1-based): chr16:56,913,921, T>A. VCF-style: chr16-56913921-T-A. GRCh37 (hg19) VCF-style: chr16-56947833-T-A.
Other names: c.*516T>A (NM_000339.3, NM_001126107.2).
Identifiers: ClinVar variation 319935 (VCV000319935.6), dbSNP rs11861555, ClinGen allele CA10638067.

ClinVar aggregate classification (germline): Benign. Review status: criteria provided, multiple submitters, no conflicts (2 of 4 stars). 2 submissions from 2 submitters: Benign (2). Last evaluated 2018-01-12.

Conditions:
Familial hypokalemia-hypomagnesemia (GTLMNS). Also called: gitelman syndrome; HYPOMAGNESEMIA-HYPOKALEMIA, PRIMARY RENOTUBULAR, WITH HYPOCALCIURIA; POTASSIUM AND MAGNESIUM DEPLETION. Identifiers: Orphanet 358, MedGen C0268450, MONDO:0009904, OMIM 263800.

Allele frequency attached by ClinVar (database versions not stated): gnomAD exomes 0.24321; 1000 Genomes Project 0.34984; TOPMed 0.39411; gnomAD 0.48911 and 0.49704.
gnomAD v4.1: 60,996 of 125,126 alleles (49%); highest among the groups gnomAD compares: African/African-American, 56%; 12,404 homozygotes.

Submissions (2):

Illumina Laboratory Services, Illumina
Classification: Benign for Familial hypokalemia-hypomagnesemia. Last evaluated: 2018-01-12. Review status: criteria provided, single submitter. Criteria: ICSL Variant Classification Criteria 13 December 2019. Collection method: clinical testing. Allele origin: germline.
Comment: This variant was observed in the ICSL laboratory as part of a predisposition screen in an ostensibly healthy population. It had not been previously curated by ICSL or reported in the Human Gene Mutation Database (HGMD: prior to June 1st, 2018), and was therefore a candidate for classification through an automated scoring system. Utilizing variant allele frequency, disease prevalence and penetrance estimates, and inheritance mode, an automated score was calculated to assess if this variant is too frequent to cause the disease. Based on the score and internal cut-off values, a variant classified as benign is not then subjected to further curation. The score for this variant resulted in a classification of benign for this disease.

Breakthrough Genomics
Classification: Benign. Review status: criteria provided, single submitter. Criteria: ACMG Guidelines, 2015. Collection method: not provided. Allele origin: germline. Inheritance: Autosomal recessive inheritance. Affected: yes.